The following is an entry in ClinVar:

ClinVar aggregate classification (germline): Conflicting classifications of pathogenicity. Review status: criteria provided, conflicting classifications (1 of 4 stars). 5 submissions from 5 submitters: Uncertain significance (1); Likely benign (4). Last evaluated 2026-01-16.

Submissions (5):

Labcorp Genetics (formerly Invitae), Labcorp
Classification: Uncertain significance. Last evaluated: 2026-01-16. Review status: criteria provided, single submitter. Criteria: Invitae Variant Classification Sherloc (09022015). Collection method: clinical testing. Allele origin: germline.
Comment: This variant, c.2245_2250del, results in the deletion of 2 amino acid(s) of the PIEZO1 protein (p.Gln749_Glu750del), but otherwise preserves the integrity of the reading frame. The frequency data for this variant in the population databases is considered unreliable, as metrics indicate poor data quality at this position in the gnomAD database. This variant has not been reported in the literature in individuals affected with PIEZO1-related conditions. ClinVar contains an entry for this variant (Variation ID: 1195492). Experimental studies and prediction algorithms are not available or were not evaluated, and the functional significance of this variant is currently unknown. In summary, the available evidence is currently insufficient to determine the role of this variant in disease. Therefore, it has been classified as a Variant of Uncertain Significance.

ARUP Laboratories, Molecular Genetics and Genomics, ARUP Laboratories
Classification: Likely benign. Last evaluated: 2025-03-12. Review status: criteria provided, single submitter. Criteria: ARUP Molecular Germline Variant Investigation Process 2024. Collection method: clinical testing. Allele origin: germline.

Blueprint Genetics
Classification: Likely benign. Last evaluated: 2024-11-23. Review status: criteria provided, single submitter. Criteria: ACMG Guidelines, 2015. Collection method: clinical testing. Allele origin: germline.

Mayo Clinic Laboratories, Mayo Clinic
Classification: Likely benign. Last evaluated: 2024-08-29. Review status: criteria provided, single submitter. Criteria: ACMG Guidelines, 2015. Collection method: clinical testing. Allele origin: germline. Observed: 8 variant alleles.

GeneDx
Classification: Likely benign. Last evaluated: 2020-11-16. Review status: criteria provided, single submitter. Criteria: GeneDx Variant Classification Process June 2021. Collection method: clinical testing. Allele origin: germline. Affected: yes.
Comment: In-frame deletion of 2 amino acids in a non-repeat region; In silico analysis supports that this variant does not alter protein structure/function; Has not been previously published as pathogenic or benign to our knowledge

NM_001142864.4(PIEZO1):c.2245_2250del (p.Gln749_Glu750del)

Genes: HSALR1 (HSP90AB1 associated lncRNA 1; plus strand), PIEZO1 (piezo type mechanosensitive ion channel component 1 (Er blood group); minus strand). Cytogenetic location: 16q24.3.
Variant type: Deletion.
Coding change: c.2245_2250del on transcript NM_001142864.4 (MANE Select); coding-DNA positions 2245 to 2250, 6 bases deleted (CAGGAG; older notation c.2245_2250delCAGGAG).
Protein change: p.Gln749_Glu750del.
Molecular consequence: inframe deletion.
Genome position (GRCh38, 1-based): chr16:88,733,985-88,733,990, CTCCTG deleted on the plus strand (CAGGAG on the coding strand, the reverse complement: PIEZO1 is on the minus strand); deleting any 6 consecutive bases within chr16:88,733,985-88,733,992 gives the same sequence; the c. name uses the placement nearest the transcript's 3' end. VCF-style (leftmost placement, unchanged base first): chr16-88733984-CCTCCTG-C. GRCh37 (hg19) VCF-style: chr16-88800392-CCTCCTG-C.
Other names: p.Gln749_Glu750del.
Identifiers: ClinVar variation 1195492 (VCV001195492.11), dbSNP rs144269709, ClinGen allele CA8232828.